The following is an entry in ClinVar:

NM_001164665.2(KIAA1549):c.3052A>G (p.Ile1018Val)

Gene: KIAA1549 (KIAA1549; minus strand). Cytogenetic location: 7q34.
Variant type: single nucleotide variant.
Coding change: c.3052A>G on transcript NM_001164665.2 (MANE Select); coding-DNA position 3052, A replaced by G.
Protein change: p.Ile1018Val; replaces isoleucine 1018 with valine.
Molecular consequence: missense variant.
Genome position (GRCh38, 1-based): chr7:138,911,239, T>C on the plus strand (A>G on the coding strand, the complement: KIAA1549 is on the minus strand). VCF-style: chr7-138911239-T-C. GRCh37 (hg19) VCF-style: chr7-138595985-T-C.
Other names: c.3052A>G, p.Ile1018Val (NM_020910.3); c.3052A>G (NM_001164665.1); short protein forms I1018V.
Identifiers: ClinVar variation 1047540 (VCV001047540.10), dbSNP rs185695096, ClinGen allele CA4506328.

ClinVar aggregate classification (germline): Uncertain significance. Review status: criteria provided, multiple submitters, no conflicts (2 of 4 stars). 2 submissions from 2 submitters: Uncertain significance (2). Last evaluated 2025-12-09.

Conditions:
Inborn genetic diseases. Identifiers: MedGen C0950123, MeSH D030342.

Allele frequency attached by ClinVar (database versions not stated): 1000 Genomes Project 30x 0.00016.
gnomAD v4.1: 17 of 1,603,164 alleles (0.0011%); highest among the groups gnomAD compares: Admixed American, 0.027%; no homozygotes.

Submissions (2):

Ambry Genetics
Classification: Uncertain significance for Inborn genetic diseases. Last evaluated: 2025-12-09. Review status: criteria provided, single submitter. Criteria: Ambry Variant Classification Scheme 2023. Collection method: clinical testing. Allele origin: germline.

Labcorp Genetics (formerly Invitae), Labcorp
Classification: Uncertain significance. Last evaluated: 2022-09-27. Review status: criteria provided, single submitter. Criteria: Invitae Variant Classification Sherloc (09022015). Collection method: clinical testing. Allele origin: germline.
Comment: In summary, the available evidence is currently insufficient to determine the role of this variant in disease. Therefore, it has been classified as a Variant of Uncertain Significance. Algorithms developed to predict the effect of missense changes on protein structure and function output the following: SIFT: "Tolerated"; PolyPhen-2: "Benign"; Align-GVGD: "Class C0". The valine amino acid residue is found in multiple mammalian species, which suggests that this missense change does not adversely affect protein function. ClinVar contains an entry for this variant (Variation ID: 1047540). This variant has not been reported in the literature in individuals affected with KIAA1549-related conditions. This variant is not present in population databases (gnomAD no frequency). This sequence change replaces isoleucine, which is neutral and non-polar, with valine, which is neutral and non-polar, at codon 1018 of the KIAA1549 protein (p.Ile1018Val).